The following is an entry in ClinVar:

ClinVar aggregate classification (germline): Uncertain significance (1 of 4 stars; one submission).

Submission:

Labcorp Genetics (formerly Invitae), Labcorp
Classification: Uncertain significance. Last evaluated: 2024-11-27. Review status: criteria provided, single submitter. Criteria: Invitae Variant Classification Sherloc (09022015). Collection method: clinical testing. Allele origin: germline.
Comment: This sequence change replaces valine, which is neutral and non-polar, with leucine, which is neutral and non-polar, at codon 3 of the CD81 protein (p.Val3Leu). This variant is not present in population databases (gnomAD no frequency). This variant has not been reported in the literature in individuals affected with CD81-related conditions. An algorithm developed to predict the effect of missense changes on protein structure and function (PolyPhen-2) suggests that this variant is likely to be tolerated. In summary, the available evidence is currently insufficient to determine the role of this variant in disease. Therefore, it has been classified as a Variant of Uncertain Significance.

NM_004356.4(CD81):c.7G>C (p.Val3Leu)

Genes: CD81 (CD81 molecule; plus strand), CD81-AS1 (CD81 antisense RNA 1; minus strand). Cytogenetic location: 11p15.5.
Variant type: single nucleotide variant.
Coding change: c.7G>C on transcript NM_004356.4 (MANE Select); coding-DNA position 7, G replaced by C.
Protein change: p.Val3Leu; replaces valine 3 with leucine.
Molecular consequence: missense variant. On other transcripts: 5 prime UTR variant (1), intron variant (2).
Genome position (GRCh38, 1-based): chr11:2,377,556, G>C. VCF-style: chr11-2377556-G-C. GRCh37 (hg19) VCF-style: chr11-2398786-G-C.
Other names: c.-203G>C (NM_001425130.1); c.7G>C, p.Val3Leu (NM_001425135.1, NM_001425137.1); c.-148+636G>C (NM_001425129.1); c.-148+1199G>C (NM_001297649.2); short protein forms V3L.
Identifiers: ClinVar variation 3668487 (VCV003668487.2).
Genomic context (GRCh38, chr11:2,377,556, plus strand): 5'-CCCGCCGCCCAGGACCGGCCCGCGCCCCGCAGGCCGCCCGCCGCCCGCGCCGCCATGGGA[G>C]TGGAGGGCTGCACCAAGTGCATCAAGTACCTGCTCTTCGTCTTCAATTTCGTCTTCTGGG-3'
Protein context (NP_004347.1, residues 1-13): MG[Val3Leu]EGCTKCIKYL